The following continues an entry in ClinVar:

NM_014874.4(MFN2):c.957C>T (p.Gly319=)

Gene: MFN2. ClinVar aggregate classification (germline): Benign/Likely benign. Benign (10); Likely benign (1).

Submissions 65 to 80 of 80:

Dr. Peter K. Rogan Lab, Western University
No classification provided (evidence only). Condition: Sarcoma. Review status: no classification provided. Collection method: in vitro. Allele origin: not applicable. Functional consequence: cryptic splice site, retained intron. Not counted in ClinVar's aggregate classification.

Dr. Peter K. Rogan Lab, Western University
No classification provided (evidence only). Condition: Sarcoma. Review status: no classification provided. Collection method: in vitro. Allele origin: not applicable. Functional consequence: retained intron. Not counted in ClinVar's aggregate classification.

Dr. Peter K. Rogan Lab, Western University
No classification provided (evidence only). Condition: Sarcoma. Review status: no classification provided. Collection method: in vitro. Allele origin: not applicable. Functional consequence: retained intron. Not counted in ClinVar's aggregate classification.

Dr. Peter K. Rogan Lab, Western University
No classification provided (evidence only). Condition: Hepatocellular carcinoma. Review status: no classification provided. Collection method: in vitro. Allele origin: not applicable. Functional consequence: retained intron. Not counted in ClinVar's aggregate classification.

Dr. Peter K. Rogan Lab, Western University
No classification provided (evidence only). Condition: Hepatocellular carcinoma. Review status: no classification provided. Collection method: in vitro. Allele origin: not applicable. Functional consequence: retained intron. Not counted in ClinVar's aggregate classification.

Dr. Peter K. Rogan Lab, Western University
No classification provided (evidence only). Condition: Hepatocellular carcinoma. Review status: no classification provided. Collection method: in vitro. Allele origin: not applicable. Functional consequence: retained intron. Not counted in ClinVar's aggregate classification.

Dr. Peter K. Rogan Lab, Western University
No classification provided (evidence only). Condition: Hepatocellular carcinoma. Review status: no classification provided. Collection method: in vitro. Allele origin: not applicable. Functional consequence: retained intron. Not counted in ClinVar's aggregate classification.

Dr. Peter K. Rogan Lab, Western University
No classification provided (evidence only). Condition: Hepatocellular carcinoma. Review status: no classification provided. Collection method: in vitro. Allele origin: not applicable. Functional consequence: retained intron. Not counted in ClinVar's aggregate classification.

Dr. Peter K. Rogan Lab, Western University
No classification provided (evidence only). Condition: Hepatocellular carcinoma. Review status: no classification provided. Collection method: in vitro. Allele origin: not applicable. Functional consequence: retained intron. Not counted in ClinVar's aggregate classification.

Dr. Peter K. Rogan Lab, Western University
No classification provided (evidence only). Condition: Thymoma. Review status: no classification provided. Collection method: in vitro. Allele origin: not applicable. Functional consequence: retained intron. Not counted in ClinVar's aggregate classification.

Dr. Peter K. Rogan Lab, Western University
No classification provided (evidence only). Condition: Ovarian serous cystadenocarcinoma. Review status: no classification provided. Collection method: in vitro. Allele origin: not applicable. Functional consequence: retained intron. Not counted in ClinVar's aggregate classification.

Dr. Peter K. Rogan Lab, Western University
No classification provided (evidence only). Condition: Ovarian serous cystadenocarcinoma. Review status: no classification provided. Collection method: in vitro. Allele origin: not applicable. Functional consequence: retained intron. Not counted in ClinVar's aggregate classification.

Dr. Peter K. Rogan Lab, Western University
No classification provided (evidence only). Condition: Ovarian serous cystadenocarcinoma. Review status: no classification provided. Collection method: in vitro. Allele origin: not applicable. Functional consequence: retained intron. Not counted in ClinVar's aggregate classification.

Dr. Peter K. Rogan Lab, Western University
No classification provided (evidence only). Condition: Ovarian serous cystadenocarcinoma. Review status: no classification provided. Collection method: in vitro. Allele origin: not applicable. Functional consequence: retained intron. Not counted in ClinVar's aggregate classification.

Dr. Peter K. Rogan Lab, Western University
No classification provided (evidence only). Condition: Ovarian serous cystadenocarcinoma. Review status: no classification provided. Collection method: in vitro. Allele origin: not applicable. Functional consequence: retained intron. Not counted in ClinVar's aggregate classification.

Inherited Neuropathy Consortium
Classification: Uncertain significance. Review status: no assertion criteria provided. Collection method: literature only. Allele origin: germline. Affected: yes. Not counted in ClinVar's aggregate classification.

Literature cited by the submitters: PubMed 16043786 (cited by Athena Diagnostics and Inherited Neuropathy Consortium); PubMed 24126688 (cited by Athena Diagnostics); PubMed 24450158 (cited by Athena Diagnostics).